The following is an entry in ClinVar:

ClinVar aggregate classification (germline): Uncertain significance. Review status: criteria provided, multiple submitters, no conflicts (2 of 4 stars). 2 submissions from 2 submitters: Uncertain significance (2). Last evaluated 2022-11-01.

Allele frequency attached by ClinVar (database versions not stated): TOPMed 0.00001; gnomAD exomes 0.00003.
gnomAD v4.1: 46 of 1,543,292 alleles (0.003%); highest among the groups gnomAD compares: Non-Finnish European, 0.0039%; no homozygotes.

Submissions (2):

GeneDx
Classification: Uncertain significance. Last evaluated: 2022-11-01. Review status: criteria provided, single submitter. Criteria: GeneDx Variant Classification Process June 2021. Collection method: clinical testing. Allele origin: germline. Affected: yes.
Comment: Not observed at significant frequency in large population cohorts (gnomAD); In silico analysis supports that this missense variant does not alter protein structure/function; Has not been previously published as pathogenic or benign to our knowledge

Labcorp Genetics (formerly Invitae), Labcorp
Classification: Uncertain significance. Last evaluated: 2022-02-28. Review status: criteria provided, single submitter. Criteria: Invitae Variant Classification Sherloc (09022015). Collection method: clinical testing. Allele origin: germline.
Comment: In summary, the available evidence is currently insufficient to determine the role of this variant in disease. Therefore, it has been classified as a Variant of Uncertain Significance. Algorithms developed to predict the effect of missense changes on protein structure and function (SIFT, PolyPhen-2, Align-GVGD) all suggest that this variant is likely to be tolerated. This variant has not been reported in the literature in individuals affected with OTOG-related conditions. This variant is present in population databases (no rsID available, gnomAD 0.003%). This sequence change replaces tyrosine, which is neutral and polar, with phenylalanine, which is neutral and non-polar, at codon 1406 of the OTOG protein (p.Tyr1406Phe).

NM_001292063.2(OTOG):c.4181A>T (p.Tyr1394Phe)

Gene: OTOG (otogelin; plus strand). Cytogenetic location: 11p15.1.
Variant type: single nucleotide variant.
Coding change: c.4181A>T on transcript NM_001292063.2 (MANE Select); coding-DNA position 4181, A replaced by T.
Protein change: p.Tyr1394Phe; replaces tyrosine 1394 with phenylalanine.
Molecular consequence: missense variant.
Genome position (GRCh38, 1-based): chr11:17,608,320, A>T. VCF-style: chr11-17608320-A-T. GRCh37 (hg19) VCF-style: chr11-17629867-A-T.
Other names: c.4217A>T, p.Tyr1406Phe (NM_001277269.2); c.4217A>T (NM_001277269.1); short protein forms Y1394F, Y1406F.
Identifiers: ClinVar variation 2173681 (VCV002173681.4), dbSNP rs912678531, ClinGen allele CA218474024.